The following is an entry in ClinVar:

ClinVar aggregate classification (germline): Pathogenic. Review status: criteria provided, multiple submitters, no conflicts (2 of 4 stars). 2 submissions from 2 submitters: Pathogenic (2). Last evaluated 2017-04-04.

Conditions:
Developmental and epileptic encephalopathy, 27 (DEE27). Also called: Epileptic encephalopathy, early infantile, 27; GRIN2B-Related Neurodevelopmental Disorder. Identifiers: Orphanet 3451, MedGen C4015316, MONDO:0014505, OMIM 616139.
Intellectual developmental disorder, autosomal dominant 6, with or without seizures. Also called: GRIN2B-related developmental delay, intellectual disability and autism spectrum disorder; Intellectual disability, autosomal dominant 6. Identifiers: Orphanet 589547, MedGen C3151411, MONDO:0013509, OMIM 613970.

Submissions (2):

Institute of Human Genetics, University of Leipzig Medical Center
Classification: Pathogenic for Intellectual developmental disorder, autosomal dominant 6, with or without seizures. Last evaluated: 2017-04-04. Review status: criteria provided, single submitter. Criteria: ACMG Guidelines, 2015. Collection method: clinical testing. Allele origin: de novo. Affected: yes.
Comment: This variant was identified as de novo (maternity and paternity confirmed).

Groupe Hospitalier Pitie Salpetriere, Uf Genomique Du Developpement, Assistance Publique Hopitaux de Paris Sorbonne Université
Classification: Pathogenic for Epileptic encephalopathy, early infantile, 27. Last evaluated: 2017-01-06. Review status: criteria provided, single submitter. Criteria: ACMG Guidelines, 2015. Collection method: clinical testing. Allele origin: de novo. Affected: yes. Observed: 1 variant allele.
Comment: severe Intellectual disability with epilepsy

Literature cited by the submitters: PubMed 28377535 (cited by Institute of Human Genetics, University of Leipzig Medical Center); PubMed 28708303 (cited by Groupe Hospitalier Pitie Salpetriere, Uf Genomique Du Developpement, Assistance Publique Hopitaux de Paris Sorbonne Université).

NM_000834.5(GRIN2B):c.1966C>T (p.Gln656Ter)

Gene: GRIN2B (glutamate ionotropic receptor NMDA type subunit 2B; minus strand). Cytogenetic location: 12p13.1.
Variant type: single nucleotide variant.
Coding change: c.1966C>T on transcript NM_000834.5 (MANE Select); coding-DNA position 1966, C replaced by T.
Protein change: p.Gln656Ter; replaces glutamine 656 with a stop codon.
Molecular consequence: nonsense.
Genome position (GRCh38, 1-based): chr12:13,608,647, G>A on the plus strand (C>T on the coding strand, the complement: GRIN2B is on the minus strand). VCF-style: chr12-13608647-G-A. GRCh37 (hg19) VCF-style: chr12-13761581-G-A.
Other names: short protein forms Q656*.
Identifiers: ClinVar variation 431127 (VCV000431127.4), dbSNP rs1135401799, ClinGen allele CA384050854.